The following is an entry in ClinVar:

ClinVar aggregate classification (germline): Conflicting classifications of pathogenicity. Review status: criteria provided, conflicting classifications (1 of 4 stars). 8 submissions from 8 submitters: Uncertain significance (1); Benign (2); Likely benign (4). 1 of the submissions does not count toward it. Last evaluated 2026-01-14.

Conditions:
AXIN2-related disorder.
Hereditary cancer-predisposing syndrome. Also called: Neoplastic Syndromes, Hereditary; Hereditary neoplastic syndrome; Tumor predisposition; Hereditary Cancer Syndrome. Identifiers: Orphanet 140162, MedGen C0027672, MeSH D009386, MONDO:0015356.
Oligodontia-cancer predisposition syndrome. Also called: TOOTH AGENESIS-COLORECTAL CANCER SYNDROME. Identifiers: Orphanet 300576, MedGen C1837750, MONDO:0012075, OMIM 608615. Disease mechanism: loss of function.

Allele frequency attached by ClinVar (database versions not stated): TOPMed 0.00005; gnomAD 0.00006; 1000 Genomes Project 30x 0.00078; 1000 Genomes Project 0.00100.
gnomAD v4.1: 188 of 1,586,364 alleles (0.012%); highest among the groups gnomAD compares: South Asian, 0.19%; 2 homozygotes.

Submissions (8):

Labcorp Genetics (formerly Invitae), Labcorp
Classification: Likely benign for Oligodontia-cancer predisposition syndrome. Last evaluated: 2026-01-14. Review status: criteria provided, single submitter. Criteria: Invitae Variant Classification Sherloc (09022015). Collection method: clinical testing. Allele origin: germline.

Center for Genomic Medicine, Rigshospitalet, Copenhagen University Hospital
Classification: Uncertain significance. Last evaluated: 2025-03-04. Review status: criteria provided, single submitter. Criteria: ACMG Guidelines, 2015. Collection method: clinical testing. Allele origin: germline.

Department of Pathology and Laboratory Medicine, Sinai Health System
Classification: Likely benign for Oligodontia-cancer predisposition syndrome. Last evaluated: 2023-03-17. Review status: criteria provided, single submitter. Criteria: ACMG Guidelines, 2015. Collection method: clinical testing. Allele origin: germline. Affected: yes.

GeneDx
Classification: Likely benign. Last evaluated: 2021-02-18. Review status: criteria provided, single submitter. Criteria: GeneDx Variant Classification Process June 2021. Collection method: clinical testing. Allele origin: germline. Affected: yes.

Sema4
Classification: Benign for Hereditary cancer-predisposing syndrome. Last evaluated: 2020-09-22. Review status: criteria provided, single submitter. Criteria: Sema4 Curation Guidelines. Collection method: curation. Allele origin: germline.

Ambry Genetics
Classification: Likely benign for Hereditary cancer-predisposing syndrome. Last evaluated: 2020-01-21. Review status: criteria provided, single submitter. Criteria: Ambry Variant Classification Scheme 2023. Collection method: clinical testing. Allele origin: germline.

Illumina Laboratory Services, Illumina
Classification: Benign for Oligodontia-cancer predisposition syndrome. Last evaluated: 2018-01-12. Review status: criteria provided, single submitter. Criteria: ICSL Variant Classification Criteria 13 December 2019. Collection method: clinical testing. Allele origin: germline.
Comment: This variant was observed in the ICSL laboratory as part of a predisposition screen in an ostensibly healthy population. It had not been previously curated by ICSL or reported in the Human Gene Mutation Database (HGMD: prior to June 1st, 2018), and was therefore a candidate for classification through an automated scoring system. Utilizing variant allele frequency, disease prevalence and penetrance estimates, and inheritance mode, an automated score was calculated to assess if this variant is too frequent to cause the disease. Based on the score and internal cut-off values, a variant classified as benign is not then subjected to further curation. The score for this variant resulted in a classification of benign for this disease.

PreventionGenetics, part of Exact Sciences
Classification: Likely benign for AXIN2-related condition. Last evaluated: 2020-03-03. Review status: no assertion criteria provided. Collection method: clinical testing. Allele origin: germline. Not counted in ClinVar's aggregate classification.
Comment: This variant is classified as likely benign based on ACMG/AMP sequence variant interpretation guidelines (Richards et al. 2015 PMID: 25741868, with internal and published modifications).

NM_004655.4(AXIN2):c.1267C>T (p.Leu423Phe)

Gene: AXIN2 (axin 2; minus strand). Cytogenetic location: 17q24.1.
Variant type: single nucleotide variant.
Coding change: c.1267C>T on transcript NM_004655.4 (MANE Select); coding-DNA position 1267, C replaced by T.
Protein change: p.Leu423Phe; replaces leucine 423 with phenylalanine.
Molecular consequence: missense variant.
Genome position (GRCh38, 1-based): chr17:65,537,769, G>A on the plus strand (C>T on the coding strand, the complement: AXIN2 is on the minus strand). VCF-style: chr17-65537769-G-A. GRCh37 (hg19) VCF-style: chr17-63533887-G-A.
Other names: c.1267C>T (LRG_296t1); c.1267C>T, p.Leu423Phe (NM_001363813.1); short protein forms L423F.
Identifiers: ClinVar variation 239980 (VCV000239980.29), dbSNP rs376630432, ClinGen allele CA8718693.